The following is an entry in ClinVar:

ClinVar aggregate classification (germline): Likely benign (1 of 4 stars; one submission).

Allele frequency attached by ClinVar (database versions not stated): TOPMed 0.00002; gnomAD 0.00005; gnomAD exomes 0.00009; ExAC 0.00015.
gnomAD v4.1: 100 of 1,207,885 alleles (0.0083%); highest among the groups gnomAD compares: Middle Eastern, 0.047%; no homozygotes.

Submission:

CeGaT Center for Human Genetics Tuebingen
Classification: Likely benign. Last evaluated: 2023-12-01. Review status: criteria provided, single submitter. Criteria: CeGaT Center For Human Genetics Tuebingen Variant Classification Criteria Version 2. Collection method: clinical testing. Allele origin: germline. Affected: yes. Observed: 1 variant allele.
Comment: PHF8: BP4, BS2

NM_015107.3(PHF8):c.1996-3C>T

Gene: PHF8 (PHD finger protein 8; minus strand). Cytogenetic location: Xp11.22.
Variant type: single nucleotide variant.
Coding change: c.1996-3C>T on transcript NM_015107.3 (MANE Select); 3 bases into the intron before coding-DNA position 1996, C replaced by T.
Molecular consequence: intron variant.
Genome position (GRCh38, 1-based): chrX:53,985,952, G>A on the plus strand (C>T on the coding strand, the complement: PHF8 is on the minus strand). VCF-style: chrX-53985952-G-A. GRCh37 (hg19) VCF-style: chrX-54012385-G-A.
Other names: c.2104-3C>T (NM_001184896.1); c.1693-3C>T (NM_001184897.2); c.1996-3C>T (NM_001184898.2).
Identifiers: ClinVar variation 3025357 (VCV003025357.22), dbSNP rs782105080, ClinGen allele CA10423366.